The following is an entry in ClinVar:

NM_001374828.1(ARID1B):c.6169A>T (p.Ile2057Phe)

Gene: ARID1B (AT-rich interaction domain 1B; plus strand). Cytogenetic location: 6q25.3.
Variant type: single nucleotide variant.
Coding change: c.6169A>T on transcript NM_001374828.1 (MANE Select); coding-DNA position 6169, A replaced by T.
Protein change: p.Ile2057Phe; replaces isoleucine 2057 with phenylalanine.
Molecular consequence: missense variant.
Genome position (GRCh38, 1-based): chr6:157,206,941, A>T. VCF-style: chr6-157206941-A-T. GRCh37 (hg19) VCF-style: chr6-157528075-A-T.
Other names: c.5920A>T, p.Ile1974Phe (NM_001346813.1); c.3670A>T, p.Ile1224Phe (NM_001363725.2); c.6049A>T, p.Ile2017Phe (NM_001371656.1, NM_001374820.1); c.6010A>T, p.Ile2004Phe (NM_017519.3); c.5800A>T, p.Ile1934Phe (NM_020732.3); c.5587A>T, p.Ile1863Phe (NM_175863.2); short protein forms I1224F, I1863F, I1934F, I1974F, I2004F, I2017F, I2057F.
Identifiers: ClinVar variation 3061083 (VCV003061083.2), dbSNP rs548670876, ClinGen allele CA366247682.

ClinVar aggregate classification (germline): Uncertain significance (0 of 4 stars; one submission).

Conditions:
ARID1B-Related Disorder. Identifiers: MedGen CN381337.

Submission:

PreventionGenetics, part of Exact Sciences
Classification: Uncertain significance for ARID1B-related condition. Last evaluated: 2024-02-15. Review status: no assertion criteria provided. Collection method: clinical testing. Allele origin: germline.
Comment: The ARID1B c.5800A>T variant is predicted to result in the amino acid substitution p.Ile1934Phe. To our knowledge, this variant has not been reported in the literature or in a large population database, indicating this variant is rare. At this time, the clinical significance of this variant is uncertain due to the absence of conclusive functional and genetic evidence.